The following is an entry in ClinVar:

ClinVar aggregate classification (germline): Uncertain significance. Review status: criteria provided, multiple submitters, no conflicts (2 of 4 stars). 2 submissions from 2 submitters: Uncertain significance (2). Last evaluated 2024-10-31.

Conditions:
DICER1-related tumor predisposition. Also called: DICER1-related pleuropulmonary blastoma cancer predisposition syndrome; DICER1 syndrome. Identifiers: Orphanet 284343, MedGen C3839822, MONDO:0100216.
Hereditary cancer-predisposing syndrome. Also called: Tumor predisposition; Neoplastic Syndromes, Hereditary; Hereditary Cancer Syndrome; Hereditary neoplastic syndrome. Identifiers: Orphanet 140162, MedGen C0027672, MeSH D009386, MONDO:0015356.

Submissions (2):

Ambry Genetics
Classification: Uncertain significance for Hereditary cancer-predisposing syndrome. Last evaluated: 2024-10-31. Review status: criteria provided, single submitter. Criteria: Ambry Variant Classification Scheme 2023. Collection method: clinical testing. Allele origin: germline.
Comment: The p.R327G variant (also known as c.979A>G), located in coding exon 7 of the DICER1 gene, results from an A to G substitution at nucleotide position 979. The arginine at codon 327 is replaced by glycine, an amino acid with dissimilar properties. This amino acid position is conserved. In addition, the in silico prediction for this alteration is inconclusive. Based on the available evidence, the clinical significance of this variant remains unclear.

Labcorp Genetics (formerly Invitae), Labcorp
Classification: Uncertain significance for DICER1-related tumor predisposition. Last evaluated: 2022-11-09. Review status: criteria provided, single submitter. Criteria: Invitae Variant Classification Sherloc (09022015). Collection method: clinical testing. Allele origin: germline.
Comment: This sequence change replaces arginine, which is basic and polar, with glycine, which is neutral and non-polar, at codon 327 of the DICER1 protein (p.Arg327Gly). This variant is not present in population databases (gnomAD no frequency). This variant has not been reported in the literature in individuals affected with DICER1-related conditions. ClinVar contains an entry for this variant (Variation ID: 477297). Advanced modeling of protein sequence and biophysical properties (such as structural, functional, and spatial information, amino acid conservation, physicochemical variation, residue mobility, and thermodynamic stability) has been performed at Invitae for this missense variant, however the output from this modeling did not meet the statistical confidence thresholds required to predict the impact of this variant on DICER1 protein function. In summary, the available evidence is currently insufficient to determine the role of this variant in disease. Therefore, it has been classified as a Variant of Uncertain Significance.

NM_177438.3(DICER1):c.979A>G (p.Arg327Gly)

Gene: DICER1 (dicer 1, ribonuclease III; minus strand). Cytogenetic location: 14q32.13.
Variant type: single nucleotide variant.
Coding change: c.979A>G on transcript NM_177438.3 (MANE Select); coding-DNA position 979, A replaced by G.
Protein change: p.Arg327Gly; replaces arginine 327 with glycine.
Molecular consequence: missense variant.
Genome position (GRCh38, 1-based): chr14:95,124,593, T>C on the plus strand (A>G on the coding strand, the complement: DICER1 is on the minus strand). VCF-style: chr14-95124593-T-C. GRCh37 (hg19) VCF-style: chr14-95590930-T-C.
Other names: c.979A>G, p.Arg327Gly (NM_001195573.1, NM_001271282.3, NM_001291628.2 and 1 more transcripts); short protein forms R327G.
Identifiers: ClinVar variation 477297 (VCV000477297.11), dbSNP rs1555374797, ClinGen allele CA390887243.